The following is an entry in ClinVar:

NM_000660.7(TGFB1):c.848A>G (p.Asn283Ser)

Gene: TGFB1 (transforming growth factor beta 1; minus strand). Cytogenetic location: 19q13.2.
Variant type: single nucleotide variant.
Coding change: c.848A>G on transcript NM_000660.7 (MANE Select); coding-DNA position 848, A replaced by G.
Protein change: p.Asn283Ser; replaces asparagine 283 with serine.
Molecular consequence: missense variant.
Genome position (GRCh38, 1-based): chr19:41,341,895, T>C on the plus strand (A>G on the coding strand, the complement: TGFB1 is on the minus strand). VCF-style: chr19-41341895-T-C. GRCh37 (hg19) VCF-style: chr19-41847800-T-C.
Other names: short protein forms N283S.
Identifiers: ClinVar variation 4734607 (VCV004734607.2).

ClinVar aggregate classification (germline): Uncertain significance. Review status: criteria provided, multiple submitters, no conflicts (2 of 4 stars). 2 submissions from 2 submitters: Uncertain significance (2). Last evaluated 2025-02-23.

gnomAD v4.1: 2 of 1,613,626 alleles (0.00012%); highest among the groups gnomAD compares: Non-Finnish European, 0.00017%; no homozygotes.

Submissions (2):

Labcorp Genetics (formerly Invitae), Labcorp
Classification: Uncertain significance. Last evaluated: 2025-02-23. Review status: criteria provided, single submitter. Criteria: Invitae Variant Classification Sherloc (09022015). Collection method: clinical testing. Allele origin: germline.
Comment: This sequence change replaces asparagine, which is neutral and polar, with serine, which is neutral and polar, at codon 283 of the TGFB1 protein (p.Asn283Ser). This variant is not present in population databases (gnomAD no frequency). This variant has not been reported in the literature in individuals affected with TGFB1-related conditions. Invitae Evidence Modeling of protein sequence and biophysical properties (such as structural, functional, and spatial information, amino acid conservation, physicochemical variation, residue mobility, and thermodynamic stability) indicates that this missense variant is not expected to disrupt TGFB1 protein function with a negative predictive value of 80%. In summary, the available evidence is currently insufficient to determine the role of this variant in disease. Therefore, it has been classified as a Variant of Uncertain Significance.

Blueprint Genetics
Classification: Uncertain significance. Last evaluated: 2022-04-05. Review status: criteria provided, single submitter. Criteria: ACMG Guidelines, 2015. Collection method: clinical testing. Allele origin: germline.